The following is an entry in ClinVar:

NM_004385.5(VCAN):c.5624A>G (p.Glu1875Gly)

Genes: VCAN (versican; plus strand), VCAN-AS1 (VCAN antisense RNA 1; minus strand). Cytogenetic location: 5q14.3.
Variant type: single nucleotide variant.
Coding change: c.5624A>G on transcript NM_004385.5 (MANE Select); coding-DNA position 5624, A replaced by G.
Protein change: p.Glu1875Gly; replaces glutamic acid 1875 with glycine.
Molecular consequence: missense variant. On other transcripts: intron variant (2).
Genome position (GRCh38, 1-based): chr5:83,538,627, A>G. VCF-style: chr5-83538627-A-G. GRCh37 (hg19) VCF-style: chr5-82834446-A-G.
Other names: c.2663A>G, p.Glu888Gly (NM_001164097.2); c.4004-6910A>G (NM_001164098.2); c.1043-6910A>G (NM_001126336.3); short protein forms E1875G, E888G.
Identifiers: ClinVar variation 3686911 (VCV003686911.2).

ClinVar aggregate classification (germline): Uncertain significance (1 of 4 stars; one submission).

Submission:

Labcorp Genetics (formerly Invitae), Labcorp
Classification: Uncertain significance. Last evaluated: 2024-03-01. Review status: criteria provided, single submitter. Criteria: Invitae Variant Classification Sherloc (09022015). Collection method: clinical testing. Allele origin: germline.
Comment: This sequence change replaces glutamic acid, which is acidic and polar, with glycine, which is neutral and non-polar, at codon 1875 of the VCAN protein (p.Glu1875Gly). This variant is not present in population databases (gnomAD no frequency). This variant has not been reported in the literature in individuals affected with VCAN-related conditions. Algorithms developed to predict the effect of missense changes on protein structure and function output the following: SIFT: "Not Available"; PolyPhen-2: "Benign"; Align-GVGD: "Not Available". The glycine amino acid residue is found in multiple mammalian species, which suggests that this missense change does not adversely affect protein function. In summary, the available evidence is currently insufficient to determine the role of this variant in disease. Therefore, it has been classified as a Variant of Uncertain Significance.